The following is an entry in ClinVar:

ClinVar aggregate classification (germline): Uncertain significance (1 of 4 stars; one submission).

Conditions:
Cerebral cavernous malformation (CCM). Also called: Cerebral cavernous malformations; Cavernous Hemangioma of Brain; Cerebral cavernous hemangioma (type); CAVERNOUS ANGIOMA, FAMILIAL; CAVERNOUS ANGIOMATOUS MALFORMATIONS; CEREBRAL CAPILLARY MALFORMATIONS. Identifiers: Orphanet 221061, MedGen C2919945, MONDO:0000820, OMIM 116860, HP:0033522.

Submission:

Labcorp Genetics (formerly Invitae), Labcorp
Classification: Uncertain significance for Cerebral cavernous malformation. Last evaluated: 2026-01-02. Review status: criteria provided, single submitter. Criteria: Invitae Variant Classification Sherloc (09022015). Collection method: clinical testing. Allele origin: germline.
Comment: This sequence change replaces glycine, which is neutral and non-polar, with valine, which is neutral and non-polar, at codon 574 of the KRIT1 protein (p.Gly574Val). This variant is not present in population databases (gnomAD no frequency). This variant has not been reported in the literature in individuals affected with KRIT1-related conditions. Invitae Evidence Modeling of protein sequence and biophysical properties (such as structural, functional, and spatial information, amino acid conservation, physicochemical variation, residue mobility, and thermodynamic stability) indicates that this missense variant is not expected to disrupt KRIT1 protein function with a negative predictive value of 80%. In summary, the available evidence is currently insufficient to determine the role of this variant in disease. Therefore, it has been classified as a Variant of Uncertain Significance.

NM_194454.3(KRIT1):c.1721G>T (p.Gly574Val)

Gene: KRIT1 (KRIT1 ankyrin repeat containing; minus strand). Cytogenetic location: 7q21.2.
Variant type: single nucleotide variant.
Coding change: c.1721G>T on transcript NM_194454.3 (MANE Select); coding-DNA position 1721, G replaced by T.
Protein change: p.Gly574Val; replaces glycine 574 with valine.
Molecular consequence: missense variant.
Genome position (GRCh38, 1-based): chr7:92,214,620, C>A on the plus strand (G>T on the coding strand, the complement: KRIT1 is on the minus strand). VCF-style: chr7-92214620-C-A. GRCh37 (hg19) VCF-style: chr7-91843934-C-A.
Other names: c.1577G>T, p.Gly526Val (NM_001013406.2, NM_001350669.1, NM_001350670.1); c.1007G>T, p.Gly336Val (NM_001350671.1); c.1721G>T, p.Gly574Val (NM_001350672.1, NM_001350673.1, NM_001350674.1 and 26 more transcripts); short protein forms G526V, G574V, G336V.
Identifiers: ClinVar variation 4741126 (VCV004741126.1).
Genomic context (GRCh38, chr7:92,214,620, plus strand): 5'-AAACAGAATCTTAAGCATAGCACAAGACCATGCATAATATTAAATACTTACTTTAGGAAA[C>A]CTTGCTTGTGTTTTTTACTCTCATAATTTCCATAGACTATTTGCAAAAGCAGACTTGCCA-3'
Protein context (NP_919436.1, residues 564-584): GNYESKKHKQ[Gly574Val]FLNEENLKSI